The following is an entry in ClinVar:

NM_012309.5(SHANK2):c.4194C>T (p.Ser1398=)

Gene: SHANK2 (SH3 and multiple ankyrin repeat domains 2; minus strand). Cytogenetic location: 11q13.3.
Variant type: single nucleotide variant.
Coding change: c.4194C>T on transcript NM_012309.5 (MANE Select); coding-DNA position 4194, C replaced by T.
Protein change: p.Ser1398=; no amino-acid change (serine 1398 retained).
Molecular consequence: synonymous variant.
Genome position (GRCh38, 1-based): chr11:70,486,099, G>A on the plus strand (C>T on the coding strand, the complement: SHANK2 is on the minus strand). VCF-style: chr11-70486099-G-A. GRCh37 (hg19) VCF-style: chr11-70332204-G-A.
Other names: c.3057C>T, p.Ser1019= (NM_001379226.1); c.4314C>T, p.Ser1438= (NM_001441024.1); c.4143C>T, p.Ser1381= (NM_001441025.1, NM_001441026.1, NM_001441027.1 and 8 more transcripts); c.4116C>T, p.Ser1372= (NM_001441035.1, NM_001441036.1, NM_001441037.1); c.4071C>T, p.Ser1357= (NM_001441038.1); c.3027C>T, p.Ser1009= (NM_001441040.1); c.2979C>T, p.Ser993= (NM_001441041.1); c.2421C>T, p.Ser807= (NM_001441042.1); and 6 more.
Identifiers: ClinVar variation 4821958 (VCV004821958.4).

ClinVar aggregate classification (germline): Likely benign (1 of 4 stars; one submission).

gnomAD v4.1: 51 of 1,613,880 alleles (0.0032%); highest among the groups gnomAD compares: Non-Finnish European, 0.0041%; no homozygotes.

Submission:

CeGaT Center for Human Genetics Tuebingen
Classification: Likely benign. Last evaluated: 2026-01-01. Review status: criteria provided, single submitter. Criteria: CeGaT Center For Human Genetics Tuebingen Variant Classification Criteria Version 2. Collection method: clinical testing. Allele origin: germline. Affected: yes. Observed: 1 variant allele.
Comment: SHANK2: BP4, BP7